The following is an entry in ClinVar:

NM_004329.3(BMPR1A):c.957dup (p.Phe320fs)

Gene: BMPR1A (bone morphogenetic protein receptor type 1A; plus strand). Cytogenetic location: 10q23.2.
Variant type: Duplication.
Coding change: c.957dup on transcript NM_004329.3 (MANE Select); coding-DNA position 957, one base duplicated (C; older notation c.957dupC).
Protein change: p.Phe320fs; shifts the reading frame from phenylalanine 320.
Molecular consequence: frameshift variant.
Genome position (GRCh38, 1-based): chr10:86,919,260, C duplicated. VCF-style (leftmost placement, unchanged base first): chr10-86919259-A-AC. GRCh37 (hg19) VCF-style: chr10-88679016-A-AC.
Other names: c.957dupC (NM_004329.2); short protein forms F320fs.
Identifiers: ClinVar variation 460517 (VCV000460517.8), dbSNP rs1554891043, ClinGen allele CA658657987.

ClinVar aggregate classification (germline): Pathogenic (1 of 4 stars; one submission).

Conditions:
Juvenile polyposis syndrome (JPS). Identifiers: Orphanet 2929, MedGen C0345893, MONDO:0017380, OMIM 174900.

Submission:

Labcorp Genetics (formerly Invitae), Labcorp
Classification: Pathogenic for Juvenile polyposis syndrome. Last evaluated: 2017-10-28. Review status: criteria provided, single submitter. Criteria: Invitae Variant Classification Sherloc (09022015). Collection method: clinical testing. Allele origin: germline.
Comment: This sequence change creates a premature translational stop signal (p.Phe320Leufs*14) in the BMPR1A gene. It is expected to result in an absent or disrupted protein product. This variant is not present in population databases (ExAC no frequency). This variant has not been reported in the literature in individuals with a BMPR1A-related disease. Loss-of-function variants in BMPR1A are known to be pathogenic (PMID: 11536076, 12417513). For these reasons, this variant has been classified as Pathogenic.

Literature cited by the submitters: PubMed 11536076; PubMed 12417513.